The following is an entry in ClinVar:

ClinVar aggregate classification (germline): Uncertain significance (1 of 4 stars; one submission).

Submission:

Women's Health and Genetics/Laboratory Corporation of America, LabCorp
Classification: Uncertain significance. Last evaluated: 2023-07-26. Review status: criteria provided, single submitter. Criteria: LabCorp Variant Classification Summary - May 2015. Collection method: clinical testing. Allele origin: germline.
Comment: Variant summary: MESP2 c.229G>A (p.Gly77Arg) results in a non-conservative amino acid change in the encoded protein sequence. Four of five in-silico tools predict a benign effect of the variant on protein function. The variant allele was found at a frequency of 8.2e-06 in 122330 control chromosomes. The available data on variant occurrences in the general population are insufficient to allow any conclusion about variant significance. To our knowledge, no occurrence of c.229G>A in individuals affected with Spondylocostal Dysostosis 2 and no experimental evidence demonstrating its impact on protein function have been reported. No submitters have cited clinical-significance assessments for this variant to ClinVar after 2014. Based on the evidence outlined above, the variant was classified as uncertain significance.

NM_001039958.2(MESP2):c.229G>A (p.Gly77Arg)

Gene: MESP2 (mesoderm posterior bHLH transcription factor 2; plus strand). Cytogenetic location: 15q26.1.
Variant type: single nucleotide variant.
Coding change: c.229G>A on transcript NM_001039958.2 (MANE Select); coding-DNA position 229, G replaced by A.
Protein change: p.Gly77Arg; replaces glycine 77 with arginine.
Molecular consequence: missense variant.
Genome position (GRCh38, 1-based): chr15:89,776,586, G>A. VCF-style: chr15-89776586-G-A. GRCh37 (hg19) VCF-style: chr15-90319817-G-A.
Other names: short protein forms G77R.
Identifiers: ClinVar variation 2577337 (VCV002577337.1), dbSNP rs538996447, ClinGen allele CA7730375.